The following is an entry in ClinVar:

ClinVar aggregate classification (germline): Likely benign. Review status: criteria provided, multiple submitters, no conflicts (2 of 4 stars). 2 submissions from 2 submitters: Likely benign (2). Last evaluated 2024-06-01.

Conditions:
Epileptic encephalopathy. Identifiers: MedGen C0543888, HP:0200134.

Allele frequency attached by ClinVar (database versions not stated): gnomAD 0.00001.
gnomAD v4.1: 1 of 1,594,968 alleles (0.000063%); highest among the groups gnomAD compares: Non-Finnish European, 0.000086%; no homozygotes.

Submissions (2):

CeGaT Center for Human Genetics Tuebingen
Classification: Likely benign. Last evaluated: 2024-06-01. Review status: criteria provided, single submitter. Criteria: CeGaT Center For Human Genetics Tuebingen Variant Classification Criteria Version 2. Collection method: clinical testing. Allele origin: germline. Affected: yes. Observed: 1 variant allele.
Comment: GABBR2: BP4, BP7

Labcorp Genetics (formerly Invitae), Labcorp
Classification: Likely benign for Epileptic encephalopathy. Last evaluated: 2023-12-17. Review status: criteria provided, single submitter. Criteria: Invitae Variant Classification Sherloc (09022015). Collection method: clinical testing. Allele origin: germline.

NM_005458.8(GABBR2):c.735G>A (p.Gly245=)

Gene: GABBR2 (gamma-aminobutyric acid type B receptor subunit 2; minus strand). Cytogenetic location: 9q22.33.
Variant type: single nucleotide variant.
Coding change: c.735G>A on transcript NM_005458.8 (MANE Select); coding-DNA position 735, G replaced by A.
Protein change: p.Gly245=; no amino-acid change (glycine 245 retained).
Molecular consequence: synonymous variant.
Genome position (GRCh38, 1-based): chr9:98,480,995, C>T on the plus strand (G>A on the coding strand, the complement: GABBR2 is on the minus strand). VCF-style: chr9-98480995-C-T. GRCh37 (hg19) VCF-style: chr9-101243277-C-T.
Identifiers: ClinVar variation 2812319 (VCV002812319.21), dbSNP rs766129384, ClinGen allele CA466526838.